The following is an entry in ClinVar:

ClinVar aggregate classification (germline): Uncertain significance (1 of 4 stars; one submission).

Conditions:
Mucopolysaccharidosis type 6 (MPS6). Also called: N-ACETYLGALACTOSAMINE-4-SULFATASE DEFICIENCY; MPS VI; MPS 6; Maroteaux Lamy syndrome; ARSB DEFICIENCY; ARYLSULFATASE B DEFICIENCY. Identifiers: Orphanet 583, MedGen C0026709, MONDO:0009661, OMIM 253200.

Submission:

Laboratory of Diagnosis and Therapy of Lysosomal Disorders, University of Padova
Classification: Uncertain significance for Mucopolysaccharidosis type 6. Last evaluated: 2018-01-01. Review status: criteria provided, single submitter. Criteria: ACMG Guidelines, 2015. Collection method: curation. Allele origin: germline. Affected: yes.
Comment: Located in a well-established functional domain (PM1); Absent from GnomAD (PM2)

Literature cited by the submitters: PubMed 17672828; PubMed 30118150.

NM_000046.5(ARSB):c.725A>C (p.His242Pro)

Gene: ARSB (arylsulfatase B; minus strand). Cytogenetic location: 5q14.1.
Variant type: single nucleotide variant.
Coding change: c.725A>C on transcript NM_000046.5 (MANE Select); coding-DNA position 725, A replaced by C.
Protein change: p.His242Pro; replaces histidine 242 with proline.
Molecular consequence: missense variant.
Genome position (GRCh38, 1-based): chr5:78,955,468, T>G on the plus strand (A>C on the coding strand, the complement: ARSB is on the minus strand). VCF-style: chr5-78955468-T-G. GRCh37 (hg19) VCF-style: chr5-78251291-T-G.
Other names: c.725A>C, p.His242Pro (NM_198709.3); short protein forms H242P.
Identifiers: ClinVar variation 559808 (VCV000559808.1), dbSNP rs1554086428, ClinGen allele CA360192283.